The following is an entry in ClinVar:

ClinVar aggregate classification (germline): Uncertain significance (1 of 4 stars; one submission).

Conditions:
Severe combined immunodeficiency due to DNA-PKcs deficiency. Also called: IMMUNODEFICIENCY 26 WITH NEUROLOGIC ABNORMALITIES; Immunodeficiency 26 with or without neurologic abnormalities. Identifiers: Orphanet 317425, MedGen C4014833, MONDO:0014423, OMIM 615966.

Allele frequency attached by ClinVar (database versions not stated): gnomAD exomes below 0.00001.
gnomAD v4.1: 1 of 1,604,426 alleles (0.000062%); highest among the groups gnomAD compares: Non-Finnish European, 0.000085%; no homozygotes.

Submission:

Labcorp Genetics (formerly Invitae), Labcorp
Classification: Uncertain significance for Severe combined immunodeficiency due to DNA-PKcs deficiency. Last evaluated: 2021-07-24. Review status: criteria provided, single submitter. Criteria: Invitae Variant Classification Sherloc (09022015). Collection method: clinical testing. Allele origin: germline.
Comment: This variant is not present in population databases (ExAC no frequency). This sequence change replaces isoleucine with serine at codon 2816 of the PRKDC protein (p.Ile2816Ser). The isoleucine residue is moderately conserved and there is a large physicochemical difference between isoleucine and serine. This variant has not been reported in the literature in individuals affected with PRKDC-related conditions. Experimental studies and prediction algorithms are not available or were not evaluated, and the functional significance of this variant is currently unknown. In summary, the available evidence is currently insufficient to determine the role of this variant in disease. Therefore, it has been classified as a Variant of Uncertain Significance.

NM_006904.7(PRKDC):c.8447T>G (p.Ile2816Ser)

Gene: PRKDC (protein kinase, DNA-activated, catalytic subunit; minus strand). Cytogenetic location: 8q11.21.
Variant type: single nucleotide variant.
Coding change: c.8447T>G on transcript NM_006904.7 (MANE Select); coding-DNA position 8447, T replaced by G.
Protein change: p.Ile2816Ser; replaces isoleucine 2816 with serine.
Molecular consequence: missense variant.
Genome position (GRCh38, 1-based): chr8:47,828,298, A>C on the plus strand (T>G on the coding strand, the complement: PRKDC is on the minus strand). VCF-style: chr8-47828298-A-C. GRCh37 (hg19) VCF-style: chr8-48740859-A-C.
Other names: c.8447T>G, p.Ile2816Ser (NM_001081640.2); short protein forms I2816S.
Identifiers: ClinVar variation 1507267 (VCV001507267.6), dbSNP rs544979397, ClinGen allele CA371144592.